The following is an entry in ClinVar:

ClinVar aggregate classification (germline): Uncertain significance (1 of 4 stars; one submission).

Submission:

Labcorp Genetics (formerly Invitae), Labcorp
Classification: Uncertain significance. Last evaluated: 2024-07-08. Review status: criteria provided, single submitter. Criteria: Invitae Variant Classification Sherloc (09022015). Collection method: clinical testing. Allele origin: germline.
Comment: This sequence change replaces threonine, which is neutral and polar, with alanine, which is neutral and non-polar, at codon 517 of the RNF31 protein (p.Thr517Ala). This variant is not present in population databases (gnomAD no frequency). This variant has not been reported in the literature in individuals affected with RNF31-related conditions. An algorithm developed to predict the effect of missense changes on protein structure and function (PolyPhen-2) suggests that this variant is likely to be tolerated. In summary, the available evidence is currently insufficient to determine the role of this variant in disease. Therefore, it has been classified as a Variant of Uncertain Significance.

NM_017999.5(RNF31):c.1549A>G (p.Thr517Ala)

Gene: RNF31 (ring finger protein 31; plus strand). Cytogenetic location: 14q12.
Variant type: single nucleotide variant.
Coding change: c.1549A>G on transcript NM_017999.5 (MANE Select); coding-DNA position 1549, A replaced by G.
Protein change: p.Thr517Ala; replaces threonine 517 with alanine.
Molecular consequence: missense variant.
Genome position (GRCh38, 1-based): chr14:24,151,191, A>G. VCF-style: chr14-24151191-A-G. GRCh37 (hg19) VCF-style: chr14-24620400-A-G.
Other names: c.1096A>G, p.Thr366Ala (NM_001310332.2); short protein forms T366A, T517A.
Identifiers: ClinVar variation 3678803 (VCV003678803.2).